The following is an entry in ClinVar:

NM_004006.3(DMD):c.5255T>C (p.Leu1752Ser)

Gene: DMD (dystrophin; minus strand). Cytogenetic location: Xp21.1.
Variant type: single nucleotide variant.
Coding change: c.5255T>C on transcript NM_004006.3 (MANE Select); coding-DNA position 5255, T replaced by C.
Protein change: p.Leu1752Ser; replaces leucine 1752 with serine.
Molecular consequence: missense variant.
Genome position (GRCh38, 1-based): chrX:32,362,858, A>G on the plus strand (T>C on the coding strand, the complement: DMD is on the minus strand). VCF-style: chrX-32362858-A-G. GRCh37 (hg19) VCF-style: chrX-32380975-A-G.
Other names: c.5231T>C, p.Leu1744Ser (NM_000109.4); c.5243T>C, p.Leu1748Ser (NM_004009.3); c.4886T>C, p.Leu1629Ser (NM_004010.3); c.1232T>C, p.Leu411Ser (NM_004011.4); c.1223T>C, p.Leu408Ser (NM_004012.4); short protein forms L1752S, L408S, L411S, L1629S, L1744S, L1748S.
Identifiers: ClinVar variation 662785 (VCV000662785.16), dbSNP rs373428963, ClinGen allele CA10378738.

ClinVar aggregate classification (germline): Conflicting classifications of pathogenicity. Review status: criteria provided, conflicting classifications (1 of 4 stars). 4 submissions from 4 submitters: Uncertain significance (2); Likely benign (1). 1 of the submissions does not count toward it. Last evaluated 2026-01-06.

Conditions:
Cardiovascular phenotype. Identifiers: MedGen CN230736.
Duchenne muscular dystrophy (DMD). Also called: MUSCULAR DYSTROPHY, PSEUDOHYPERTROPHIC PROGRESSIVE, DUCHENNE TYPE; Duchenne Muscular Dystrophy (DMD). Identifiers: Orphanet 98896, MedGen C0013264, MONDO:0010679, OMIM 310200.
Dilated cardiomyopathy 3B (CMD3B). Also called: CMD3B: DMD-Related Dilated Cardiomyopathy; CARDIOMYOPATHY, DILATED, X-LINKED; DMD-Associated Dilated Cardiomyopathy. Identifiers: Orphanet 154, MedGen C3668940, MONDO:0010542, OMIM 302045.
Dystrophin deficiency.

Allele frequency attached by ClinVar (database versions not stated): gnomAD exomes below 0.00001 and 0.00001; ExAC 0.00001; gnomAD 0.00001 and 0.00002; ESP Exome Variant Server 0.00009.
gnomAD v4.1: 6 of 1,208,589 alleles (0.0005%); highest among the groups gnomAD compares: African/African-American, 0.0088%; no homozygotes.

Submissions (4):

Labcorp Genetics (formerly Invitae), Labcorp
Classification: Uncertain significance for Duchenne muscular dystrophy. Last evaluated: 2026-01-06. Review status: criteria provided, single submitter. Criteria: Invitae Variant Classification Sherloc (09022015). Collection method: clinical testing. Allele origin: germline.
Comment: This sequence change replaces leucine, which is neutral and non-polar, with serine, which is neutral and polar, at codon 1752 of the DMD protein (p.Leu1752Ser). This variant is present in population databases (rs373428963, gnomAD 0.02%). This variant has not been reported in the literature in individuals affected with DMD-related conditions. ClinVar contains an entry for this variant (Variation ID: 662785). Invitae Evidence Modeling of protein sequence and biophysical properties (such as structural, functional, and spatial information, amino acid conservation, physicochemical variation, residue mobility, and thermodynamic stability) indicates that this missense variant is not expected to disrupt DMD protein function with a negative predictive value of 95%. In summary, the available evidence is currently insufficient to determine the role of this variant in disease. Therefore, it has been classified as a Variant of Uncertain Significance.

Ambry Genetics
Classification: Likely benign for Cardiovascular phenotype. Last evaluated: 2024-09-20. Review status: criteria provided, single submitter. Criteria: Ambry Variant Classification Scheme 2023. Collection method: clinical testing. Allele origin: germline.

Illumina Laboratory Services, Illumina
Classification: Uncertain significance for Dilated cardiomyopathy 3B. Last evaluated: 2017-04-28. Review status: criteria provided, single submitter. Criteria: ICSL Variant Classification Criteria 13 December 2019. Collection method: clinical testing. Allele origin: germline.

Natera, Inc.
Classification: Uncertain significance for Dystrophin deficiency. Last evaluated: 2020-09-16. Review status: no assertion criteria provided. Collection method: clinical testing. Allele origin: germline. Not counted in ClinVar's aggregate classification.